The following is an entry in ClinVar:

ClinVar aggregate classification (germline): Likely benign (0 of 4 stars; one submission).

Conditions:
USP54-related disorder. Also called: USP54-related condition.

Allele frequency attached by ClinVar (database versions not stated): 1000 Genomes Project 0.00140; ExAC 0.00195; ESP Exome Variant Server 0.00200; 1000 Genomes Project 30x 0.00203; TOPMed 0.00288.
gnomAD v4.1: 3,617 of 1,613,998 alleles (0.22%); highest among the groups gnomAD compares: Admixed American, 0.56%; 11 homozygotes.

Submission:

PreventionGenetics, part of Exact Sciences
Classification: Likely benign for USP54-related condition. Last evaluated: 2022-09-08. Review status: no assertion criteria provided. Collection method: clinical testing. Allele origin: germline.
Comment: This variant is classified as likely benign based on ACMG/AMP sequence variant interpretation guidelines (Richards et al. 2015 PMID: 25741868, with internal and published modifications).

NM_001391956.1(USP54):c.4183C>T (p.Arg1395Ter)

Genes: PPP3CB-AS1 (PPP3CB antisense RNA 1 (head to head); plus strand), USP54 (ubiquitin specific peptidase 54; minus strand). Cytogenetic location: 10q22.2.
Variant type: single nucleotide variant.
Coding change: c.4183C>T on transcript NM_001391956.1 (MANE Select); coding-DNA position 4183, C replaced by T.
Protein change: p.Arg1395Ter; replaces arginine 1395 with a stop codon.
Molecular consequence: nonsense. On other transcripts: non-coding transcript variant (5), intron variant (4).
Genome position (GRCh38, 1-based): chr10:73,504,978, G>A on the plus strand (C>T on the coding strand, the complement: USP54 is on the minus strand). VCF-style: chr10-73504978-G-A. GRCh37 (hg19) VCF-style: chr10-75264736-G-A.
Other names: c.3997C>T, p.Arg1333Ter (NM_001320437.2); c.3892C>T, p.Arg1298Ter (NM_001350995.2, NM_001391942.1); c.4012C>T, p.Arg1338Ter (NM_001378208.1, NM_001378209.1, NM_001378210.1 and 5 more transcripts); c.4249C>T, p.Arg1417Ter (NM_001391941.1); c.3733C>T, p.Arg1245Ter (NM_001391951.1); c.4183C>T, p.Arg1395Ter (NM_001391953.1, NM_152586.4); c.3999+330C>T (NM_001391947.1, NM_001391950.1); c.4170+330C>T (NM_001391949.1, NM_001391952.1); short protein forms R1245*, R1298*, R1333*, R1338*, R1395*, R1417*.
Identifiers: ClinVar variation 3044550 (VCV003044550.2), dbSNP rs61761602, ClinGen allele CA5555941.